The following is an entry in ClinVar:

NM_001364857.2(ADGRB2):c.3662G>A (p.Arg1221Gln)

Gene: ADGRB2 (adhesion G protein-coupled receptor B2; minus strand). Cytogenetic location: 1p35.2.
Variant type: single nucleotide variant.
Coding change: c.3662G>A on transcript NM_001364857.2 (MANE Select); coding-DNA position 3662, G replaced by A.
Protein change: p.Arg1221Gln; replaces arginine 1221 with glutamine.
Molecular consequence: missense variant.
Genome position (GRCh38, 1-based): chr1:31,732,575, C>T on the plus strand (G>A on the coding strand, the complement: ADGRB2 is on the minus strand). VCF-style: chr1-31732575-C-T. GRCh37 (hg19) VCF-style: chr1-32198176-C-T.
Other names: c.3662G>A, p.Arg1221Gln (NM_001294335.2); c.3563G>A, p.Arg1188Gln (NM_001294336.2); short protein forms R1221Q, R1188Q.
Identifiers: ClinVar variation 4700972 (VCV004700972.1).

ClinVar aggregate classification (germline): Uncertain significance (1 of 4 stars; one submission).

gnomAD v4.1: 10 of 1,614,036 alleles (0.00062%); highest among the groups gnomAD compares: Admixed American, 0.0033%; no homozygotes.

Submission:

Labcorp Genetics (formerly Invitae), Labcorp
Classification: Uncertain significance. Last evaluated: 2025-07-31. Review status: criteria provided, single submitter. Criteria: Invitae Variant Classification Sherloc (09022015). Collection method: clinical testing. Allele origin: germline.
Comment: This sequence change replaces arginine, which is basic and polar, with glutamine, which is neutral and polar, at codon 1188 of the ADGRB2 protein (p.Arg1188Gln). This variant is present in population databases (no rsID available, gnomAD 0.01%). This variant has not been reported in the literature in individuals affected with ADGRB2-related conditions. An algorithm developed to predict the effect of missense changes on protein structure and function (PolyPhen-2) suggests that this variant is likely to be tolerated. In summary, the available evidence is currently insufficient to determine the role of this variant in disease. Therefore, it has been classified as a Variant of Uncertain Significance.